The following is an entry in ClinVar:

NM_000883.4(IMPDH1):c.932A>G (p.Asp311Gly)

Gene: IMPDH1 (inosine monophosphate dehydrogenase 1; minus strand). Cytogenetic location: 7q32.1.
Variant type: single nucleotide variant.
Coding change: c.932A>G on transcript NM_000883.4 (MANE Select); coding-DNA position 932, A replaced by G.
Protein change: p.Asp311Gly; replaces aspartic acid 311 with glycine.
Molecular consequence: missense variant.
Genome position (GRCh38, 1-based): chr7:128,398,556, T>C on the plus strand (A>G on the coding strand, the complement: IMPDH1 is on the minus strand). VCF-style: chr7-128398556-T-C. GRCh37 (hg19) VCF-style: chr7-128038610-T-C.
Other names: c.902A>G, p.Asp301Gly (NM_001102605.2); c.677A>G, p.Asp226Gly (NM_001142573.2); c.662A>G, p.Asp221Gly (NM_001142574.2); c.602A>G, p.Asp201Gly (NM_001142575.2); c.833A>G, p.Asp278Gly (NM_001142576.2); c.725A>G, p.Asp242Gly (NM_001304521.2); c.824A>G, p.Asp275Gly (NM_183243.3); short protein forms D221G, D301G, D201G, D278G, D311G, D226G, D275G, D242G.
Identifiers: ClinVar variation 861483 (VCV000861483.12), dbSNP rs1798091523, ClinGen allele CA369169403.

ClinVar aggregate classification (germline): Pathogenic/Likely pathogenic. Review status: criteria provided, multiple submitters, no conflicts (2 of 4 stars). 2 submissions from 2 submitters: Pathogenic (1); Likely pathogenic (1). Last evaluated 2024-09-27.

Conditions:
IMPDH1-related disorder. Also called: IMPDH1-related condition; IMPDH1-related disorders.

Submissions (2):

Labcorp Genetics (formerly Invitae), Labcorp
Classification: Pathogenic. Last evaluated: 2024-09-27. Review status: criteria provided, single submitter. Criteria: Invitae Variant Classification Sherloc (09022015). Collection method: clinical testing. Allele origin: germline.
Comment: This sequence change replaces aspartic acid, which is acidic and polar, with glycine, which is neutral and non-polar, at codon 311 of the IMPDH1 protein (p.Asp311Gly). This variant is not present in population databases (gnomAD no frequency). This missense change has been observed in individuals with clinical features of retinitis pigmentosa (PMID: 30902645; internal data). ClinVar contains an entry for this variant (Variation ID: 861483). An algorithm developed to predict the effect of missense changes on protein structure and function (PolyPhen-2) suggests that this variant is likely to be disruptive. This variant disrupts the p.Asp311 amino acid residue in IMPDH1. Other variant(s) that disrupt this residue have been determined to be pathogenic (PMID: 11875050, 15882147, 21791244). This suggests that this residue is clinically significant, and that variants that disrupt this residue are likely to be disease-causing. For these reasons, this variant has been classified as Pathogenic.

Blueprint Genetics
Classification: Likely pathogenic for IMPDH1-related disorders. Last evaluated: 2019-10-31. Review status: criteria provided, single submitter. Criteria: ACMG Guidelines, 2015. Collection method: clinical testing. Allele origin: germline. Affected: yes. Observed: 1 variant allele.

Literature cited by the submitters: PubMed 30902645 (cited by Labcorp Genetics (formerly Invitae), Labcorp); PubMed 11875050 (cited by Labcorp Genetics (formerly Invitae), Labcorp); PubMed 15882147 (cited by Labcorp Genetics (formerly Invitae), Labcorp); PubMed 21791244 (cited by Labcorp Genetics (formerly Invitae), Labcorp).